The following is an entry in ClinVar:

NM_001853.4(COL9A3):c.1477G>A (p.Gly493Arg)

Genes: COL9A3 (collagen type IX alpha 3 chain; plus strand), LOC126863084 (MED14-independent group 3 enhancer GRCh37_chr20:61467141-61468340; plus strand). Cytogenetic location: 20q13.33.
Variant type: single nucleotide variant.
Coding change: c.1477G>A on transcript NM_001853.4 (MANE Select); coding-DNA position 1477, G replaced by A.
Protein change: p.Gly493Arg; replaces glycine 493 with arginine.
Molecular consequence: missense variant.
Genome position (GRCh38, 1-based): chr20:62,836,262, G>A. VCF-style: chr20-62836262-G-A. GRCh37 (hg19) VCF-style: chr20-61467614-G-A.
Other names: short protein forms G493R.
Identifiers: ClinVar variation 1427139 (VCV001427139.8), dbSNP rs780313887, ClinGen allele CA9949996.

ClinVar aggregate classification (germline): Uncertain significance (1 of 4 stars; one submission).

Allele frequency attached by ClinVar (database versions not stated): gnomAD exomes below 0.00001; ExAC 0.00001; TOPMed 0.00002; gnomAD 0.00003.
gnomAD v4.1: 26 of 1,613,660 alleles (0.0016%); highest among the groups gnomAD compares: Non-Finnish European, 0.0019%; no homozygotes.

Submission:

Labcorp Genetics (formerly Invitae), Labcorp
Classification: Uncertain significance. Last evaluated: 2025-12-29. Review status: criteria provided, single submitter. Criteria: Invitae Variant Classification Sherloc (09022015). Collection method: clinical testing. Allele origin: germline.
Comment: This sequence change replaces glycine, which is neutral and non-polar, with arginine, which is basic and polar, at codon 493 of the COL9A3 protein (p.Gly493Arg). This variant is present in population databases (rs780313887, gnomAD 0.0009%). This missense change has been observed in individual(s) with COL9A3-related conditions (PMID: 39406934). ClinVar contains an entry for this variant (Variation ID: 1427139). Invitae Evidence Modeling of protein sequence and biophysical properties (such as structural, functional, and spatial information, amino acid conservation, physicochemical variation, residue mobility, and thermodynamic stability) indicates that this missense variant is expected to disrupt COL9A3 protein function with a positive predictive value of 95%. In summary, the available evidence is currently insufficient to determine the role of this variant in disease. Therefore, it has been classified as a Variant of Uncertain Significance.

Literature cited by the submitters: PubMed 39406934.